The following is an entry in ClinVar:

NM_018486.3(HDAC8):c.433A>G (p.Lys145Glu)

Gene: HDAC8 (histone deacetylase 8; minus strand). Cytogenetic location: Xq13.1.
Variant type: single nucleotide variant.
Coding change: c.433A>G on transcript NM_018486.3 (MANE Select); coding-DNA position 433, A replaced by G.
Protein change: p.Lys145Glu; replaces lysine 145 with glutamic acid.
Molecular consequence: missense variant. On other transcripts: intron variant (2).
Genome position (GRCh38, 1-based): chrX:72,567,893, T>C on the plus strand (A>G on the coding strand, the complement: HDAC8 is on the minus strand). VCF-style: chrX-72567893-T-C. GRCh37 (hg19) VCF-style: chrX-71787743-T-C.
Other names: c.433A>G, p.Lys145Glu (NM_001166419.2, NM_001166420.2, NM_001166422.2); c.164+4164A>G (NM_001166418.2, NM_001166448.2); short protein forms K145E.
Identifiers: ClinVar variation 917679 (VCV000917679.2), dbSNP rs2051860492, ClinGen allele CA413573794.

ClinVar aggregate classification (germline): Uncertain significance (1 of 4 stars; one submission).

Submission:

Women's Health and Genetics/Laboratory Corporation of America, LabCorp
Classification: Uncertain significance. Last evaluated: 2022-06-07. Review status: criteria provided, single submitter. Criteria: LabCorp Variant Classification Summary - May 2015. Collection method: clinical testing. Allele origin: germline.
Comment: Variant summary: HDAC8 c.433A>G (p.Lys145Glu) results in a conservative amino acid change located in the Histone deacetylase domain (IPR023801) of the encoded protein sequence. Three of five in-silico tools predict a damaging effect of the variant on protein function. The variant was absent in 183356 control chromosomes (gnomAD). The available data on variant occurrences in the general population are insufficient to allow any conclusion about variant significance. To our knowledge, no occurrence of c.433A>G in individuals affected with Cornelia De Lange Syndrome 5 and no experimental evidence demonstrating its impact on protein function have been reported. No other clinical diagnostic laboratories have submitted clinical-significance assessments for this variant to ClinVar after 2014. Based on the evidence outlined above, the variant was classified as uncertain significance.